The following is an entry in ClinVar:

ClinVar aggregate classification (germline): Conflicting classifications of pathogenicity. Review status: criteria provided, conflicting classifications (1 of 4 stars). 4 submissions from 4 submitters: Uncertain significance (3); Likely benign (1). Last evaluated 2025-06-09.

Conditions:
Hereditary breast ovarian cancer syndrome. Also called: Breast and ovarian cancer; Hereditary breast and/or ovarian cancer syndrome; Hereditary breast and ovarian cancer; Hereditary breast and ovarian cancer syndrome (HBOC); BRCA1- and BRCA2-Associated Hereditary Breast and Ovarian Cancer; Hereditary breast and ovarian cancer syndrome. Identifiers: Orphanet 145, MedGen C0677776, MeSH D061325, MONDO:0003582. Disease mechanism: loss of function.
Hereditary cancer-predisposing syndrome. Also called: Hereditary Cancer Syndrome; Neoplastic Syndromes, Hereditary; Tumor predisposition; Hereditary neoplastic syndrome. Identifiers: Orphanet 140162, MedGen C0027672, MeSH D009386, MONDO:0015356.

Submissions (4):

Ambry Genetics
Classification: Uncertain significance for Hereditary cancer-predisposing syndrome. Last evaluated: 2025-06-09. Review status: criteria provided, single submitter. Criteria: Ambry Variant Classification Scheme 2023. Collection method: clinical testing. Allele origin: germline.
Comment: The p.D1305H variant (also known as c.3913G>C), located in coding exon 9 of the BRCA1 gene, results from a G to C substitution at nucleotide position 3913. The aspartic acid at codon 1305 is replaced by histidine, an amino acid with similar properties. This amino acid position is not well conserved in available vertebrate species. In addition, the in silico prediction for this alteration is inconclusive. Based on the available evidence, the clinical significance of this variant remains unclear.

Labcorp Genetics (formerly Invitae), Labcorp
Classification: Uncertain significance for Hereditary breast ovarian cancer syndrome. Last evaluated: 2024-03-01. Review status: criteria provided, single submitter. Criteria: Invitae Variant Classification Sherloc (09022015). Collection method: clinical testing. Allele origin: germline.
Comment: This sequence change replaces aspartic acid, which is acidic and polar, with histidine, which is basic and polar, at codon 1305 of the BRCA1 protein (p.Asp1305His). This variant is not present in population databases (gnomAD no frequency). This variant has not been reported in the literature in individuals affected with BRCA1-related conditions. ClinVar contains an entry for this variant (Variation ID: 489718). Advanced modeling of protein sequence and biophysical properties (such as structural, functional, and spatial information, amino acid conservation, physicochemical variation, residue mobility, and thermodynamic stability) performed at Invitae indicates that this missense variant is not expected to disrupt BRCA1 protein function with a negative predictive value of 95%. In summary, the available evidence is currently insufficient to determine the role of this variant in disease. Therefore, it has been classified as a Variant of Uncertain Significance.

University of Washington Department of Laboratory Medicine, University of Washington
Classification: Likely benign for Hereditary cancer-predisposing syndrome. Last evaluated: 2023-03-23. Review status: criteria provided, single submitter. Criteria: Dines et al. (Genet Med. 2020). Collection method: curation. Allele origin: germline.
Comment: Missense variant in a coldspot region where missense variants are very unlikely to be pathogenic (PMID:31911673).

BRCA1 coldspot (exon 11 using historical exon numbering). Reclassification based on statistical prior probability

Color Diagnostics, LLC DBA Color Health
Classification: Uncertain significance for Hereditary cancer-predisposing syndrome. Last evaluated: 2019-03-14. Review status: criteria provided, single submitter. Criteria: ACMG Guidelines, 2015. Collection method: clinical testing. Allele origin: germline.

NM_007294.4(BRCA1):c.3913G>C (p.Asp1305His)

Genes: BRCA1 (BRCA1 DNA repair associated; minus strand), LOC126862571 (BRD4-independent group 4 enhancer GRCh37_chr17:41243136-41244335; plus strand). Cytogenetic location: 17q21.31.
Variant type: single nucleotide variant.
Coding change: c.3913G>C on transcript NM_007294.4 (MANE Select); coding-DNA position 3913, G replaced by C.
Protein change: p.Asp1305His; replaces aspartic acid 1305 with histidine.
Molecular consequence: missense variant. On other transcripts: intron variant (135).
Genome position (GRCh38, 1-based): chr17:43,091,618, C>G on the plus strand (G>C on the coding strand, the complement: BRCA1 is on the minus strand). VCF-style: chr17-43091618-C-G. GRCh37 (hg19) VCF-style: chr17-41243635-C-G.
Other names: c.524-586G>C (NM_001408501.1, NM_001408500.1, NM_001408498.1 and 3 more transcripts); c.521-586G>C (NM_001408503.1, NM_001408505.1, NM_001408504.1); c.647-586G>C (NM_001408466.1, NM_001408452.1, NM_001408455.1 and 11 more transcripts); c.3703G>C, p.Asp1235His (NM_001407879.1, NM_001407881.1, NM_001407882.1 and 13 more transcripts); c.644-586G>C (NM_001408468.1, NM_001408470.1, NM_001408464.1 and 3 more transcripts); c.578-586G>C (NM_001408513.1, NM_001408481.1, NM_001408480.1 and 9 more transcripts); c.3700G>C, p.Asp1234His (NM_001407571.1, NM_001407853.1, NM_001407894.1 and 9 more transcripts); c.3913G>C, p.Asp1305His (NM_001407581.1, NM_001407582.1, NM_001407583.1 and 30 more transcripts); and 41 more; short protein forms D1305H, D1258H, D1193H, D1216H, D1217H, D1257H, D1278H, D1302H.
Identifiers: ClinVar variation 489718 (VCV000489718.10), dbSNP rs1555586799, ClinGen allele CA10594136.